The following is an entry in ClinVar:

ClinVar aggregate classification (germline): Uncertain significance. Review status: criteria provided, single submitter (1 of 4 stars). 2 submissions from 2 submitters: Uncertain significance (1). 1 of the submissions does not count toward it. Last evaluated 2022-07-21.

Conditions:
Congenital myasthenic syndrome 11. Also called: MYASTHENIC SYNDROME, CONGENITAL, Ie; Myasthenic syndrome, congenital, 11, associated with acetylcholine receptor deficiency. Identifiers: Orphanet 590, MedGen C4225367, MONDO:0014588, OMIM 616326.
Fetal akinesia deformation sequence 1 (FADS1). Also called: Fetal akinesia sequence; Pena-Shokeir syndrome type I. Identifiers: Orphanet 994, MedGen C1276035, MONDO:0100101, OMIM 208150, HP:0001989.
Congenital myasthenic syndrome (CMS). Also called: Congenital Myasthenic Syndromes. Identifiers: Orphanet 590, MedGen C0751882, MeSH D020294, MONDO:0018940.

Allele frequency attached by ClinVar (database versions not stated): gnomAD 0.00001 and 0.00003; gnomAD exomes 0.00004 and 0.00016; TOPMed 0.00007; ESP Exome Variant Server 0.00015; ExAC 0.00018; 1000 Genomes Project 30x 0.00031; 1000 Genomes Project 0.00040.
gnomAD v4.1: 225 of 1,568,688 alleles (0.014%); highest among the groups gnomAD compares: Non-Finnish European, 0.019%; no homozygotes.

Submissions (2):

Labcorp Genetics (formerly Invitae), Labcorp
Classification: Uncertain significance for Congenital myasthenic syndrome 11; Fetal akinesia deformation sequence 1. Last evaluated: 2022-07-21. Review status: criteria provided, single submitter. Criteria: Invitae Variant Classification Sherloc (09022015). Collection method: clinical testing. Allele origin: germline.
Comment: This sequence change affects codon 371 of the RAPSN mRNA. It is a 'silent' change, meaning that it does not change the encoded amino acid sequence of the RAPSN protein. This variant is present in population databases (rs150503333, gnomAD 0.006%). This variant has not been reported in the literature in individuals affected with RAPSN-related conditions. ClinVar contains an entry for this variant (Variation ID: 990460). Algorithms developed to predict the effect of sequence changes on RNA splicing suggest that this variant may disrupt the consensus splice site. In summary, the available evidence is currently insufficient to determine the role of this variant in disease. Therefore, it has been classified as a Variant of Uncertain Significance.

Natera, Inc.
Classification: Uncertain significance for Congenital myasthenic syndrome. Last evaluated: 2020-04-13. Review status: no assertion criteria provided. Collection method: clinical testing. Allele origin: germline. Not counted in ClinVar's aggregate classification.

NM_005055.5(RAPSN):c.1113C>T (p.Gly371=)

Gene: RAPSN (receptor associated protein of the synapse; minus strand). Cytogenetic location: 11p11.2.
Variant type: single nucleotide variant.
Coding change: c.1113C>T on transcript NM_005055.5 (MANE Select); coding-DNA position 1113, C replaced by T.
Protein change: p.Gly371=; no amino-acid change (glycine 371 retained).
Molecular consequence: synonymous variant.
Genome position (GRCh38, 1-based): chr11:47,438,785, G>A on the plus strand (C>T on the coding strand, the complement: RAPSN is on the minus strand). VCF-style: chr11-47438785-G-A. GRCh37 (hg19) VCF-style: chr11-47460336-G-A.
Other names: c.936C>T, p.Gly312= (NM_032645.5).
Identifiers: ClinVar variation 990460 (VCV000990460.3), dbSNP rs150503333, ClinGen allele CA5976499.
Genomic context (GRCh38, chr11:47,438,785, plus strand): 5'-CCCCCACCTGAGGTGGAAGATGTGGGAGCAAGGTAGGGCCTGCAGCCGGCTGTTCTTCTC[G>A]CCTATGGACTCGCCGCACAGGCCGCAGTAGAGCTCCGTCTCCTCCACGCACTCGTGGAAC-3'
Protein context (NP_005046.2, residues 361-381): LYCGLCGESI[Gly371=]EKNSRLQALP